The following is an entry in ClinVar:

NM_152703.5(SAMD9L):c.1118T>C (p.Leu373Pro)

Gene: SAMD9L (sterile alpha motif domain containing 9 like; minus strand). Cytogenetic location: 7q21.2.
Variant type: single nucleotide variant.
Coding change: c.1118T>C on transcript NM_152703.5 (MANE Select); coding-DNA position 1118, T replaced by C.
Protein change: p.Leu373Pro; replaces leucine 373 with proline.
Molecular consequence: missense variant.
Genome position (GRCh38, 1-based): chr7:93,134,854, A>G on the plus strand (T>C on the coding strand, the complement: SAMD9L is on the minus strand). VCF-style: chr7-93134854-A-G. GRCh37 (hg19) VCF-style: chr7-92764167-A-G.
Other names: c.1118T>C, p.Leu373Pro (NM_001303496.3, NM_001303497.3, NM_001303498.3 and 5 more transcripts); short protein forms L373P.
Identifiers: ClinVar variation 3792317 (VCV003792317.1).

ClinVar aggregate classification (germline): Uncertain significance (1 of 4 stars; one submission).

Conditions:
Inborn genetic diseases. Identifiers: MedGen C0950123, MeSH D030342.

Submission:

Ambry Genetics
Classification: Uncertain significance for Inborn genetic diseases. Last evaluated: 2025-01-17. Review status: criteria provided, single submitter. Criteria: Ambry Variant Classification Scheme 2023. Collection method: clinical testing. Allele origin: germline.
Comment: The p.L373P variant (also known as c.1118T>C), located in coding exon 1 of the SAMD9L gene, results from a T to C substitution at nucleotide position 1118. The leucine at codon 373 is replaced by proline, an amino acid with similar properties. This amino acid position is conserved. In addition, this alteration is predicted to be tolerated by in silico analysis. Based on the available evidence, the clinical significance of this variant remains unclear.